The following is an entry in ClinVar:

ClinVar aggregate classification (germline): Uncertain significance (1 of 4 stars; one submission).

Submission:

GeneDx
Classification: Uncertain significance. Last evaluated: 2020-06-16. Review status: criteria provided, single submitter. Criteria: GeneDx Variant Classification Process June 2021. Collection method: clinical testing. Allele origin: germline. Affected: yes.
Comment: Not observed in large population cohorts (Lek et al., 2016); In silico analysis supports that this missense variant does not alter protein structure/function; Has not been previously published as pathogenic or benign to our knowledge

NM_001378452.1(ITPR1):c.4135A>G (p.Ser1379Gly)

Gene: ITPR1 (inositol 1,4,5-trisphosphate receptor type 1; plus strand). Cytogenetic location: 3p26.1.
Variant type: single nucleotide variant.
Coding change: c.4135A>G on transcript NM_001378452.1 (MANE Select); coding-DNA position 4135, A replaced by G.
Protein change: p.Ser1379Gly; replaces serine 1379 with glycine.
Molecular consequence: missense variant.
Genome position (GRCh38, 1-based): chr3:4,693,595, A>G. VCF-style: chr3-4693595-A-G. GRCh37 (hg19) VCF-style: chr3-4735279-A-G.
Other names: c.4108A>G, p.Ser1370Gly (NM_001099952.4); c.4090A>G, p.Ser1364Gly (NM_001168272.2); c.4063A>G, p.Ser1355Gly (NM_002222.7); short protein forms S1355G, S1364G, S1370G, S1379G.
Identifiers: ClinVar variation 1306384 (VCV001306384.2), dbSNP rs2125249461, ClinGen allele CA351631629.